The following is an entry in ClinVar:

NM_025137.4(SPG11):c.6326A>G (p.His2109Arg)

Gene: SPG11 (SPG11 vesicle trafficking associated, spatacsin; minus strand). Cytogenetic location: 15q21.1.
Variant type: single nucleotide variant.
Coding change: c.6326A>G on transcript NM_025137.4 (MANE Select); coding-DNA position 6326, A replaced by G.
Protein change: p.His2109Arg; replaces histidine 2109 with arginine.
Molecular consequence: missense variant.
Genome position (GRCh38, 1-based): chr15:44,572,700, T>C on the plus strand (A>G on the coding strand, the complement: SPG11 is on the minus strand). VCF-style: chr15-44572700-T-C. GRCh37 (hg19) VCF-style: chr15-44864898-T-C.
Other names: c.5987A>G, p.His1996Arg (NM_001160227.2); short protein forms H1996R, H2109R.
Identifiers: ClinVar variation 1410287 (VCV001410287.3), dbSNP rs780979118, ClinGen allele CA7534181.

ClinVar aggregate classification (germline): Uncertain significance (1 of 4 stars; one submission).

Conditions:
Hereditary spastic paraplegia 11. Also called: SPASTIC PARAPLEGIA, AUTOSOMAL RECESSIVE, COMPLICATED, WITH THIN CORPUS CALLOSUM; SPASTIC PARAPLEGIA, AUTOSOMAL RECESSIVE, WITH MENTAL IMPAIRMENT AND THIN CORPUS CALLOSUM; Nakamura Osame syndrome; Autosomal recessive hereditary spastic paraplegia, mental impairment, and thin corpus callosum; Spastic paraplegia, mental retardation and thin corpus callosum; Spastic Paraplegia 11. Identifiers: Orphanet 2822, MedGen C1858479, MONDO:0011445, OMIM 604360.

Allele frequency attached by ClinVar (database versions not stated): gnomAD 0.00001; gnomAD exomes 0.00001 and 0.00003; TOPMed 0.00001; ExAC 0.00002.
gnomAD v4.1: 10 of 1,613,952 alleles (0.00062%); highest among the groups gnomAD compares: Admixed American, 0.012%; no homozygotes.

Submission:

Labcorp Genetics (formerly Invitae), Labcorp
Classification: Uncertain significance for Hereditary spastic paraplegia 11. Last evaluated: 2022-06-14. Review status: criteria provided, single submitter. Criteria: Invitae Variant Classification Sherloc (09022015). Collection method: clinical testing. Allele origin: germline.
Comment: This sequence change replaces histidine, which is basic and polar, with arginine, which is basic and polar, at codon 2109 of the SPG11 protein (p.His2109Arg). This variant is present in population databases (rs780979118, gnomAD 0.02%). This variant has not been reported in the literature in individuals affected with SPG11-related conditions. Algorithms developed to predict the effect of missense changes on protein structure and function (SIFT, PolyPhen-2, Align-GVGD) all suggest that this variant is likely to be tolerated. In summary, the available evidence is currently insufficient to determine the role of this variant in disease. Therefore, it has been classified as a Variant of Uncertain Significance.